The following is an entry in ClinVar:

NM_000404.4(GLB1):c.450C>T (p.Ser150=)

Gene: GLB1 (galactosidase beta 1; minus strand). Cytogenetic location: 3p22.3.
Variant type: single nucleotide variant.
Coding change: c.450C>T on transcript NM_000404.4 (MANE Select); coding-DNA position 450, C replaced by T.
Protein change: p.Ser150=; no amino-acid change (serine 150 retained).
Molecular consequence: synonymous variant. On other transcripts: intron variant (1).
Genome position (GRCh38, 1-based): chr3:33,068,237, G>A on the plus strand (C>T on the coding strand, the complement: GLB1 is on the minus strand). VCF-style: chr3-33068237-G-A. GRCh37 (hg19) VCF-style: chr3-33109729-G-A.
Other names: p.Ser150=; c.360C>T, p.Ser120= (NM_001079811.3); c.594C>T, p.Ser198= (NM_001317040.2); c.246-2680C>T (NM_001135602.3).
Identifiers: ClinVar variation 1136346 (VCV001136346.8), dbSNP rs140353187, ClinGen allele CA2299700.

ClinVar aggregate classification (germline): Likely benign. Review status: criteria provided, multiple submitters, no conflicts (2 of 4 stars). 2 submissions from 2 submitters: Likely benign (2). Last evaluated 2026-01-26.

Conditions:
GM1 gangliosidosis. Identifiers: Orphanet 354, MedGen C0085131, MONDO:0018149.
Mucopolysaccharidosis, MPS-IV-B (MPS4B). Also called: Mucopolysaccharidosis type 4B; Mucopolysaccharidosis type IVB (Morquio); MPS IVB; MORQUIO SYNDROME B; Mucopolysaccharidosis type IV B; Mucopolysaccharidosis Type IVB. Identifiers: Orphanet 309310, Orphanet 582, MedGen C0086652, MONDO:0009660, OMIM 253010.

Allele frequency attached by ClinVar (database versions not stated): ExAC 0.00003; gnomAD exomes 0.00003 and 0.00004; gnomAD 0.00013 and 0.00014; 1000 Genomes Project 30x 0.00016; TOPMed 0.00016; 1000 Genomes Project 0.00020; ESP Exome Variant Server 0.00025.
gnomAD v4.1: 69 of 1,614,022 alleles (0.0043%); highest among the groups gnomAD compares: African/African-American, 0.033%; no homozygotes.

Submissions (2):

Labcorp Genetics (formerly Invitae), Labcorp
Classification: Likely benign for Mucopolysaccharidosis, MPS-IV-B; GM1 gangliosidosis. Last evaluated: 2026-01-26. Review status: criteria provided, single submitter. Criteria: Invitae Variant Classification Sherloc (09022015). Collection method: clinical testing. Allele origin: germline.

Mayo Clinic Laboratories, Mayo Clinic
Classification: Likely benign. Last evaluated: 2025-09-19. Review status: criteria provided, single submitter. Criteria: ACMG Guidelines, 2015. Collection method: clinical testing. Allele origin: germline. Observed: 1 variant allele.
Comment: BP4, BP7